The following is an entry in ClinVar:

NM_000075.4(CDK4):c.219-7T>C

Gene: CDK4 (cyclin dependent kinase 4; minus strand). Cytogenetic location: 12q14.1.
Variant type: single nucleotide variant.
Coding change: c.219-7T>C on transcript NM_000075.4 (MANE Select); 7 bases into the intron before coding-DNA position 219, T replaced by C.
Molecular consequence: intron variant.
Genome position (GRCh38, 1-based): chr12:57,751,349, A>G on the plus strand (T>C on the coding strand, the complement: CDK4 is on the minus strand). VCF-style: chr12-57751349-A-G. GRCh37 (hg19) VCF-style: chr12-58145132-A-G.
Other names: c.219-7T>C (LRG_490t1).
Identifiers: ClinVar variation 633154 (VCV000633154.13), dbSNP rs543798269, ClinGen allele CA6657857.

ClinVar aggregate classification (germline): Likely benign. Review status: criteria provided, multiple submitters, no conflicts (2 of 4 stars). 3 submissions from 3 submitters: Likely benign (3). Last evaluated 2025-04-21.

Conditions:
Familial melanoma. Also called: Hereditary melanoma; Hereditary cutaneous melanoma. Identifiers: Orphanet 618, MedGen C1512419, MONDO:0018961.
Melanoma, cutaneous malignant, susceptibility to, 3. Also called: Cutaneous malignant melanoma 3. Identifiers: Orphanet 618, MedGen C1836892, MONDO:0012183, OMIM 609048.

Allele frequency attached by ClinVar (database versions not stated): gnomAD exomes below 0.00001 and 0.00001; ExAC 0.00001; gnomAD 0.00001 and 0.00002; TOPMed 0.00001; 1000 Genomes Project 30x 0.00016; 1000 Genomes Project 0.00020.
gnomAD v4.1: 8 of 1,614,078 alleles (0.0005%); highest among the groups gnomAD compares: Non-Finnish European, 0.00068%; no homozygotes.

Submissions (3):

Women's Health and Genetics/Laboratory Corporation of America, LabCorp
Classification: Likely benign. Last evaluated: 2025-04-21. Review status: criteria provided, single submitter. Criteria: LabCorp Variant Classification Summary - May 2015. Collection method: clinical testing. Allele origin: germline.

Myriad Genetics, Inc.
Classification: Likely benign for Melanoma, cutaneous malignant, susceptibility to, 3. Last evaluated: 2024-09-25. Review status: criteria provided, single submitter. Criteria: Myriad Autosomal Dominant, Autosomal Recessive and X-Linked Classification Criteria (2023). Collection method: clinical testing. Allele origin: unknown.
Comment: This variant is considered likely benign. This variant is intronic and is not expected to impact mRNA splicing.

Labcorp Genetics (formerly Invitae), Labcorp
Classification: Likely benign for Familial melanoma. Last evaluated: 2024-07-26. Review status: criteria provided, single submitter. Criteria: Invitae Variant Classification Sherloc (09022015). Collection method: clinical testing. Allele origin: germline.